The following is an entry in ClinVar:

NM_018896.5(CACNA1G):c.1879G>A (p.Gly627Arg)

Gene: CACNA1G (calcium voltage-gated channel subunit alpha1 G; plus strand). Cytogenetic location: 17q21.33.
Variant type: single nucleotide variant.
Coding change: c.1879G>A on transcript NM_018896.5 (MANE Select); coding-DNA position 1879, G replaced by A.
Protein change: p.Gly627Arg; replaces glycine 627 with arginine.
Molecular consequence: missense variant. On other transcripts: non-coding transcript variant (5).
Genome position (GRCh38, 1-based): chr17:50,576,281, G>A. VCF-style: chr17-50576281-G-A. GRCh37 (hg19) VCF-style: chr17-48653642-G-A.
Other names: c.1879G>A, p.Gly627Arg (NM_001256324.2, NM_001256325.2, NM_001256326.2 and 24 more transcripts); c.1879G>A (NM_018896.3); short protein forms G627R.
Identifiers: ClinVar variation 718649 (VCV000718649.37), dbSNP rs200317339, ClinGen allele CA8652260.
Genomic context (GRCh38, chr17:50,576,281, plus strand): 5'-CTAGTAGAGGTGGCTGCCAGCTCTGGGCCCCCAACCCTCACCAGCCTCAACATCCCACCC[G>A]GGCCCTACAGCTCCATGCACAAGCTGCTGGAGACACAGAGTACAGGTGAGAACTCTGGGT-3'
Protein context (NP_061496.2, residues 617-637): PTLTSLNIPP[Gly627Arg]PYSSMHKLLE

ClinVar aggregate classification (germline): Benign/Likely benign. Review status: criteria provided, multiple submitters, no conflicts (2 of 4 stars). 6 submissions from 6 submitters: Benign (3); Likely benign (3). Last evaluated 2025-12-25.

Conditions:
Inborn genetic diseases. Identifiers: MedGen C0950123, MeSH D030342.

Allele frequency attached by ClinVar (database versions not stated): ESP Exome Variant Server 0.00032; gnomAD 0.00063 and 0.00074; TOPMed 0.00074; 1000 Genomes Project 30x 0.00094; gnomAD exomes 0.00102 and 0.00150; 1000 Genomes Project 0.00120; ExAC 0.00281.
gnomAD v4.1: 1,616 of 1,583,344 alleles (0.1%); highest among the groups gnomAD compares: South Asian, 0.53%; 3 homozygotes.

Submissions (6):

Labcorp Genetics (formerly Invitae), Labcorp
Classification: Benign. Last evaluated: 2025-12-25. Review status: criteria provided, single submitter. Criteria: Invitae Variant Classification Sherloc (09022015). Collection method: clinical testing. Allele origin: germline.

CeGaT Center for Human Genetics Tuebingen
Classification: Likely benign. Last evaluated: 2025-11-01. Review status: criteria provided, single submitter. Criteria: CeGaT Center For Human Genetics Tuebingen Variant Classification Criteria Version 2. Collection method: clinical testing. Allele origin: germline. Affected: yes. Observed: 9 variant alleles.
Comment: CACNA1G: BS1

Blueprint Genetics
Classification: Likely benign. Last evaluated: 2024-11-26. Review status: criteria provided, single submitter. Criteria: ACMG Guidelines, 2015. Collection method: clinical testing. Allele origin: germline.

Ambry Genetics
Classification: Likely benign for Inborn genetic diseases. Last evaluated: 2022-01-08. Review status: criteria provided, single submitter. Criteria: Ambry Variant Classification Scheme 2023. Collection method: clinical testing. Allele origin: germline.

GeneDx
Classification: Benign. Last evaluated: 2021-07-30. Review status: criteria provided, single submitter. Criteria: GeneDx Variant Classification Process June 2021. Collection method: clinical testing. Allele origin: germline. Affected: yes.

Breakthrough Genomics
Classification: Benign. Review status: criteria provided, single submitter. Criteria: ACMG Guidelines, 2015. Collection method: not provided. Allele origin: germline. Inheritance: Autosomal dominant inheritance. Affected: yes.